The following is an entry in ClinVar:

NM_004525.3(LRP2):c.7513dup (p.Arg2505fs)

Gene: LRP2 (LDL receptor related protein 2; minus strand). Cytogenetic location: 2q31.1.
Variant type: Duplication.
Coding change: c.7513dup on transcript NM_004525.3 (MANE Select); coding-DNA position 7513, one base duplicated (C; older notation c.7513dupC).
Protein change: p.Arg2505fs; shifts the reading frame from arginine 2505.
Molecular consequence: frameshift variant.
Genome position (GRCh38, 1-based): chr2:169,206,066, G duplicated on the plus strand (C on the coding strand, the reverse complement: LRP2 is on the minus strand); the first of 3 consecutive G bases (chr2:169,206,066-169,206,068); duplicating any one gives the same sequence. VCF-style (leftmost placement, unchanged base first): chr2-169206065-C-CG. GRCh37 (hg19) VCF-style: chr2-170062575-C-CG.
Other names: short protein forms R2505fs.
Identifiers: ClinVar variation 3642017 (VCV003642017.2).

ClinVar aggregate classification (germline): Pathogenic (1 of 4 stars; one submission).

Submission:

Labcorp Genetics (formerly Invitae), Labcorp
Classification: Pathogenic. Last evaluated: 2024-02-25. Review status: criteria provided, single submitter. Criteria: Invitae Variant Classification Sherloc (09022015). Collection method: clinical testing. Allele origin: germline.
Comment: This sequence change creates a premature translational stop signal (p.Arg2505Profs*21) in the LRP2 gene. It is expected to result in an absent or disrupted protein product. Loss-of-function variants in LRP2 are known to be pathogenic (PMID: 17632512, 25682901). This variant is not present in population databases (gnomAD no frequency). This variant has not been reported in the literature in individuals affected with LRP2-related conditions. For these reasons, this variant has been classified as Pathogenic.

Literature cited by the submitters: PubMed 17632512; PubMed 25682901.